The following is an entry in ClinVar:

NM_001386298.1(CIC):c.50G>T (p.Gly17Val)

Gene: CIC (capicua transcriptional repressor; plus strand). Cytogenetic location: 19q13.2.
Variant type: single nucleotide variant.
Coding change: c.50G>T on transcript NM_001386298.1 (MANE Select); coding-DNA position 50, G replaced by T.
Protein change: p.Gly17Val; replaces glycine 17 with valine.
Molecular consequence: missense variant.
Genome position (GRCh38, 1-based): chr19:42,271,833, G>T. VCF-style: chr19-42271833-G-T. GRCh37 (hg19) VCF-style: chr19-42775985-G-T.
Other names: c.50G>T, p.Gly17Val (NM_001304815.2, NM_001379480.1, NM_001379482.1 and 1 more transcripts); short protein forms G17V.
Identifiers: ClinVar variation 2637209 (VCV002637209.11), dbSNP rs962567889, ClinGen allele CA308614209.

ClinVar aggregate classification (germline): Uncertain significance. Review status: criteria provided, multiple submitters, no conflicts (2 of 4 stars). 2 submissions from 2 submitters: Uncertain significance (2). Last evaluated 2025-05-01.

Conditions:
CIC-related disorder. Also called: CIC-related condition.

Allele frequency attached by ClinVar (database versions not stated): gnomAD exomes below 0.00001; gnomAD 0.00001.
gnomAD v4.1: 2 of 398,748 alleles (0.0005%); highest among the groups gnomAD compares: Middle Eastern, 0.063%; no homozygotes.

Submissions (2):

CeGaT Center for Human Genetics Tuebingen
Classification: Uncertain significance. Last evaluated: 2025-05-01. Review status: criteria provided, single submitter. Criteria: CeGaT Center For Human Genetics Tuebingen Variant Classification Criteria Version 2. Collection method: clinical testing. Allele origin: germline. Affected: yes. Observed: 1 variant allele.

PreventionGenetics, part of Exact Sciences
Classification: Uncertain significance for CIC-related condition. Last evaluated: 2022-10-20. Review status: criteria provided, single submitter. Criteria: ACMG Guidelines, 2015. Collection method: clinical testing. Allele origin: germline.
Comment: The CIC c.50G>T variant is predicted to result in the amino acid substitution p.Gly17Val. To our knowledge, this variant has not been reported in the literature or in a large population database, indicating this variant is rare. At this time, the clinical significance of this variant is uncertain due to the absence of conclusive functional and genetic evidence.